The following is an entry in ClinVar:

ClinVar aggregate classification (germline): Uncertain significance (1 of 4 stars; one submission).

Submission:

Women's Health and Genetics/Laboratory Corporation of America, LabCorp
Classification: Uncertain significance. Last evaluated: 2023-07-25. Review status: criteria provided, single submitter. Criteria: LabCorp Variant Classification Summary - May 2015. Collection method: clinical testing. Allele origin: germline.
Comment: Variant summary: SLC26A3 c.1372A>G (p.Ile458Val) results in a conservative amino acid change in the encoded protein sequence. Four of five in-silico tools predict a benign effect of the variant on protein function. The variant was absent in 250940 control chromosomes (gnomAD). The available data on variant occurrences in the general population are insufficient to allow any conclusion about variant significance. c.1372A>G has been reported in the literature in an individual affected with Congenital secretory diarrhea, chloride type (Shimizu_2009). These data do not allow any conclusion about variant significance. To our knowledge, no experimental evidence demonstrating an impact on protein function has been reported. The following publication has been ascertained in the context of this evaluation (PMID: 19967661). No submitters have cited clinical-significance assessments for this variant to ClinVar after 2014. Based on the evidence outlined above, the variant was classified as uncertain significance.

Literature cited by the submitters: PubMed 19967661.

NM_000111.3(SLC26A3):c.1372A>G (p.Ile458Val)

Gene: SLC26A3 (solute carrier family 26 member 3; minus strand). Cytogenetic location: 7q22.3.
Variant type: single nucleotide variant.
Coding change: c.1372A>G on transcript NM_000111.3 (MANE Select); coding-DNA position 1372, A replaced by G.
Protein change: p.Ile458Val; replaces isoleucine 458 with valine.
Molecular consequence: missense variant.
Genome position (GRCh38, 1-based): chr7:107,779,703, T>C on the plus strand (A>G on the coding strand, the complement: SLC26A3 is on the minus strand). VCF-style: chr7-107779703-T-C. GRCh37 (hg19) VCF-style: chr7-107420148-T-C.
Other names: short protein forms I458V.
Identifiers: ClinVar variation 2577220 (VCV002577220.1), dbSNP rs2535459733, ClinGen allele CA368851395.